The following is an entry in ClinVar:

NM_138694.4(PKHD1):c.5665del (p.Glu1889fs)

Gene: PKHD1 (PKHD1 ciliary IPT domain containing fibrocystin/polyductin; minus strand). Cytogenetic location: 6p12.2.
Variant type: Deletion.
Coding change: c.5665del on transcript NM_138694.4 (MANE Select); coding-DNA position 5665, one base deleted (G; older notation c.5665delG).
Protein change: p.Glu1889fs; shifts the reading frame from glutamic acid 1889.
Molecular consequence: frameshift variant.
Genome position (GRCh38, 1-based): chr6:52,010,395, C deleted on the plus strand (G on the coding strand, the reverse complement: PKHD1 is on the minus strand). VCF-style (leftmost placement, unchanged base first): chr6-52010394-TC-T. GRCh37 (hg19) VCF-style: chr6-51875192-TC-T.
Other names: c.5665del, p.Glu1889fs (NM_170724.3); short protein forms E1889fs.
Identifiers: ClinVar variation 640725 (VCV000640725.7), dbSNP rs1581727260, ClinGen allele CA915944272.

ClinVar aggregate classification (germline): Pathogenic (1 of 4 stars; one submission).

Conditions:
Autosomal recessive polycystic kidney disease (ARPKD). Also called: AR polycystic kidney disease. Identifiers: Orphanet 731, Orphanet 8378, MedGen C0085548, MeSH D017044, MONDO:0009889.

Submission:

Labcorp Genetics (formerly Invitae), Labcorp
Classification: Pathogenic for Autosomal recessive polycystic kidney disease. Last evaluated: 2021-04-18. Review status: criteria provided, single submitter. Criteria: Invitae Variant Classification Sherloc (09022015). Collection method: clinical testing. Allele origin: germline.
Comment: For these reasons, this variant has been classified as Pathogenic. This variant has not been reported in the literature in individuals with PKHD1-related conditions. ClinVar contains an entry for this variant (Variation ID: 640725). This variant is not present in population databases (ExAC no frequency). This sequence change creates a premature translational stop signal (p.Glu1889Argfs*85) in the PKHD1 gene. It is expected to result in an absent or disrupted protein product. Loss-of-function variants in PKHD1 are known to be pathogenic (PMID: 19940839).

Literature cited by the submitters: PubMed 19940839.